The following is an entry in ClinVar:

NM_030662.4(MAP2K2):c.682G>A (p.Val228Met)

Gene: MAP2K2 (mitogen-activated protein kinase kinase 2; minus strand). Cytogenetic location: 19p13.3.
Variant type: single nucleotide variant.
Coding change: c.682G>A on transcript NM_030662.4 (MANE Select); coding-DNA position 682, G replaced by A.
Protein change: p.Val228Met; replaces valine 228 with methionine.
Molecular consequence: missense variant.
Genome position (GRCh38, 1-based): chr19:4,101,042, C>T on the plus strand (G>A on the coding strand, the complement: MAP2K2 is on the minus strand). VCF-style: chr19-4101042-C-T. GRCh37 (hg19) VCF-style: chr19-4101040-C-T.
Other names: short protein forms V228M.
Identifiers: ClinVar variation 425156 (VCV000425156.46), dbSNP rs999810842, ClinGen allele CA16621719.

ClinVar aggregate classification (germline): Uncertain significance. Review status: criteria provided, multiple submitters, no conflicts (2 of 4 stars). 2 submissions from 2 submitters: Uncertain significance (2). Last evaluated 2025-03-03.

Conditions:
RASopathy. Also called: Noonan spectrum disorder; rasopathies. Identifiers: Orphanet 536391, MedGen C5555857, MONDO:0021060.

Allele frequency attached by ClinVar (database versions not stated): gnomAD 0.00001; gnomAD exomes 0.00001; TOPMed 0.00001.

Submissions (2):

Labcorp Genetics (formerly Invitae), Labcorp
Classification: Uncertain significance for RASopathy. Last evaluated: 2025-03-03. Review status: criteria provided, single submitter. Criteria: Invitae Variant Classification Sherloc (09022015). Collection method: clinical testing. Allele origin: germline.
Comment: This sequence change replaces valine, which is neutral and non-polar, with methionine, which is neutral and non-polar, at codon 228 of the MAP2K2 protein (p.Val228Met). This variant is present in population databases (no rsID available, gnomAD 0.004%). This variant has not been reported in the literature in individuals affected with MAP2K2-related conditions. ClinVar contains an entry for this variant (Variation ID: 425156). Invitae Evidence Modeling of protein sequence and biophysical properties (such as structural, functional, and spatial information, amino acid conservation, physicochemical variation, residue mobility, and thermodynamic stability) indicates that this missense variant is not expected to disrupt MAP2K2 protein function with a negative predictive value of 95%. In summary, the available evidence is currently insufficient to determine the role of this variant in disease. Therefore, it has been classified as a Variant of Uncertain Significance.

CeGaT Center for Human Genetics Tuebingen
Classification: Uncertain significance. Last evaluated: 2017-05-01. Review status: criteria provided, single submitter. Criteria: CeGaT Center For Human Genetics Tuebingen Variant Classification Criteria Version 2. Collection method: clinical testing. Allele origin: germline. Affected: yes. Observed: 1 variant allele.